The following is an entry in ClinVar:

NM_001164508.2(NEB):c.6020T>C (p.Met2007Thr)

Gene: NEB (nebulin; minus strand). Cytogenetic location: 2q23.3.
Variant type: single nucleotide variant.
Coding change: c.6020T>C on transcript NM_001164508.2 (MANE Select); coding-DNA position 6020, T replaced by C.
Protein change: p.Met2007Thr; replaces methionine 2007 with threonine.
Molecular consequence: missense variant.
Genome position (GRCh38, 1-based): chr2:151,659,120, A>G on the plus strand (T>C on the coding strand, the complement: NEB is on the minus strand). VCF-style: chr2-151659120-A-G. GRCh37 (hg19) VCF-style: chr2-152515634-A-G.
Other names: c.6020T>C, p.Met2007Thr (NM_001164507.2, NM_001271208.2, NM_004543.5); short protein forms M2007T.
Identifiers: ClinVar variation 331499 (VCV000331499.23), dbSNP rs199862790, ClinGen allele CA1910203.

ClinVar aggregate classification (germline): Conflicting classifications of pathogenicity. Review status: criteria provided, conflicting classifications (1 of 4 stars). 6 submissions from 6 submitters: Uncertain significance (3); Likely benign (2). 1 of the submissions does not count toward it. Last evaluated 2026-09-24.

Conditions:
Nemaline myopathy 2 (NEM2). Also called: Nemaline myopathy 2, autosomal recessive. Identifiers: MedGen C1850569, MONDO:0009725, OMIM 256030.
Inborn genetic diseases. Identifiers: MedGen C0950123, MeSH D030342.
NEB-related disorder. Also called: NEB-Related Disorders; NEB-related condition.

Allele frequency attached by ClinVar (database versions not stated): gnomAD 0.00001 and 0.00014; TOPMed 0.00006; gnomAD exomes 0.00022 and 0.00039; ExAC 0.00046; 1000 Genomes Project 30x 0.00047; 1000 Genomes Project 0.00060.
gnomAD v4.1: 353 of 1,613,226 alleles (0.022%); highest among the groups gnomAD compares: South Asian, 0.36%; 2 homozygotes.

Submissions (6):

PreventionGenetics, part of Exact Sciences
Classification: Likely benign for NEB-related condition. Last evaluated: 2026-09-24. Review status: criteria provided, single submitter. Criteria: ACMG Guidelines, 2015. Collection method: clinical testing. Allele origin: germline.
Comment: This variant is classified as likely benign based on ACMG/AMP sequence variant interpretation guidelines (Richards et al. 2015 PMID: 25741868, with internal and published modifications).

Labcorp Genetics (formerly Invitae), Labcorp
Classification: Likely benign for Nemaline myopathy 2. Last evaluated: 2026-01-26. Review status: criteria provided, single submitter. Criteria: Invitae Variant Classification Sherloc (09022015). Collection method: clinical testing. Allele origin: germline.

Ambry Genetics
Classification: Uncertain significance for Inborn genetic diseases. Last evaluated: 2023-03-02. Review status: criteria provided, single submitter. Criteria: Ambry Variant Classification Scheme 2023. Collection method: clinical testing. Allele origin: germline.

Baylor Genetics
Classification: Uncertain significance for Nemaline myopathy 2. Last evaluated: 2019-09-11. Review status: criteria provided, single submitter. Criteria: ACMG Guidelines, 2015. Collection method: clinical testing. Allele origin: unknown. Affected: yes.
Comment: This variant was determined to be of uncertain significance according to ACMG Guidelines, 2015 [PMID:25741868].

Illumina Laboratory Services, Illumina
Classification: Uncertain significance for Nemaline myopathy 2. Last evaluated: 2018-01-13. Review status: criteria provided, single submitter. Criteria: ICSL Variant Classification Criteria 13 December 2019. Collection method: clinical testing. Allele origin: germline.

Natera, Inc.
Classification: Uncertain significance for Nemaline myopathy type 2. Last evaluated: 2020-01-17. Review status: no assertion criteria provided. Collection method: clinical testing. Allele origin: germline. Not counted in ClinVar's aggregate classification.